The following is an entry in ClinVar:

NM_175748.4(UBR7):c.1207C>T (p.Gln403Ter)

Gene: UBR7 (ubiquitin protein ligase E3 component n-recognin 7; plus strand). Cytogenetic location: 14q32.12.
Variant type: single nucleotide variant.
Coding change: c.1207C>T on transcript NM_175748.4 (MANE Select); coding-DNA position 1207, C replaced by T.
Protein change: p.Gln403Ter; replaces glutamine 403 with a stop codon.
Molecular consequence: nonsense. On other transcripts: non-coding transcript variant (1).
Genome position (GRCh38, 1-based): chr14:93,226,964, C>T. VCF-style: chr14-93226964-C-T. GRCh37 (hg19) VCF-style: chr14-93693310-C-T.
Other names: c.754C>T, p.Gln252Ter (NM_018108.2); short protein forms Q252*, Q403*.
Identifiers: ClinVar variation 3066044 (VCV003066044.2), dbSNP rs1333901047, ClinGen allele CA390816473.
Genomic context (GRCh38, chr14:93,226,964, plus strand): 5'-ACTTAGTTCTCTTTCATAATCTTTGCTTTTCAAAAACAGGTTGTTAAGAGAGAGGACATT[C>T]AGCAGTTCTTTGAAGAGTTTCAGTCAAAAAAGAGAAGAAGAGTGGATGGGATGCAGTATT-3'

ClinVar aggregate classification (germline): Likely pathogenic (1 of 4 stars; one submission).

Conditions:
Li-Campeau syndrome. Identifiers: MedGen C5543068, MONDO:0030963, OMIM 619189.

Submission:

Shaanxi Institute for Pediatric Diseases, Xi'an Children's Hospital
Classification: Likely pathogenic for Li-Campeau syndrome. Last evaluated: 2024-04-02. Review status: criteria provided, single submitter. Criteria: ACMG Guidelines, 2015. Collection method: clinical testing. Allele origin: maternal. Inheritance: Autosomal recessive inheritance. Affected: yes.
Comment: Both of these two variants were non-existent in the ExAC, 1000 Genomes Project and gnomAD. In vitro functional studies indicate that neither Q403* nor L76* variant caused NMD. In summary, the Q403* variant to be classified as variant of uncertain significance.